The following is an entry in ClinVar:

NM_000170.3(GLDC):c.2458-2A>G

Gene: GLDC (glycine decarboxylase; minus strand). Cytogenetic location: 9p24.1.
Variant type: single nucleotide variant.
Coding change: c.2458-2A>G on transcript NM_000170.3 (MANE Select); the canonical splice acceptor site of the intron before coding-DNA position 2458, A replaced by G.
Molecular consequence: splice acceptor variant.
Genome position (GRCh38, 1-based): chr9:6,550,916, T>C on the plus strand (A>G on the coding strand, the complement: GLDC is on the minus strand). VCF-style: chr9-6550916-T-C. GRCh37 (hg19) VCF-style: chr9-6550916-T-C.
Identifiers: ClinVar variation 554438 (VCV000554438.5), dbSNP rs1259354298, ClinGen allele CA372876721.

ClinVar aggregate classification (germline): Pathogenic. Review status: criteria provided, single submitter (1 of 4 stars). 2 submissions from 2 submitters: Pathogenic (1). 1 of the submissions does not count toward it. Last evaluated 2023-12-09.

Conditions:
Glycine encephalopathy 1 (GCE1). Identifiers: MedGen CN376801, MONDO:0958179, OMIM 605899.
Glycine encephalopathy. Also called: Non-ketotic hyperglycinemia; Nonketotic hyperglycinemia. Identifiers: Orphanet 407, MedGen C0751748, MONDO:0011612, HP:0008288.

Allele frequency attached by ClinVar (database versions not stated): TOPMed below 0.00001.

Submissions (2):

Labcorp Genetics (formerly Invitae), Labcorp
Classification: Pathogenic for Glycine encephalopathy. Last evaluated: 2023-12-09. Review status: criteria provided, single submitter. Criteria: Invitae Variant Classification Sherloc (09022015). Collection method: clinical testing. Allele origin: germline.
Comment: This sequence change affects an acceptor splice site in intron 20 of the GLDC gene. It is expected to disrupt RNA splicing. Variants that disrupt the donor or acceptor splice site typically lead to a loss of protein function (PMID: 16199547), and loss-of-function variants in GLDC are known to be pathogenic (PMID: 16601880). This variant is not present in population databases (gnomAD no frequency). Disruption of this splice site has been observed in individual(s) with nonketotic hyperglycinemia (PMID: 26179960). In at least one individual the data is consistent with being in trans (on the opposite chromosome) from a pathogenic variant. ClinVar contains an entry for this variant (Variation ID: 554438). Algorithms developed to predict the effect of sequence changes on RNA splicing suggest that this variant may disrupt the consensus splice site. For these reasons, this variant has been classified as Pathogenic.

Counsyl
Classification: Likely pathogenic for Glycine encephalopathy 1. Last evaluated: 2017-10-18. Review status: no assertion criteria provided. Collection method: clinical testing. Allele origin: unknown. Not counted in ClinVar's aggregate classification.

Literature cited by the submitters: PubMed 16199547 (cited by Labcorp Genetics (formerly Invitae), Labcorp); PubMed 16601880 (cited by Labcorp Genetics (formerly Invitae), Labcorp); PubMed 26179960 (cited by Labcorp Genetics (formerly Invitae), Labcorp and Counsyl).